The following is an entry in ClinVar:

NM_006308.3(HSPB3):c.171C>T (p.Asp57=)

Gene: HSPB3 (heat shock protein family B (small) member 3; plus strand). Cytogenetic location: 5q11.2.
Variant type: single nucleotide variant.
Coding change: c.171C>T on transcript NM_006308.3 (MANE Select); coding-DNA position 171, C replaced by T.
Protein change: p.Asp57=; no amino-acid change (aspartic acid 57 retained).
Molecular consequence: synonymous variant.
Genome position (GRCh38, 1-based): chr5:54,455,960, C>T. VCF-style: chr5-54455960-C-T. GRCh37 (hg19) VCF-style: chr5-53751790-C-T.
Identifiers: ClinVar variation 4797302 (VCV004797302.1).
Genomic context (GRCh38, chr5:54,455,960, plus strand): 5'-GCCTGGGCCAACCATCGTGGACCTGAGGAAAACCAGGGCAGCGCAGTCTCCTCCAGTGGA[C>T]TCAGCGGCAGAGACGCCACCCCGAGAAGGCAAATCCCACTTTCAGATCCTGCTGGACGTG-3'
Protein context (NP_006299.1, residues 47-67): KTRAAQSPPV[Asp57=]SAAETPPREG

ClinVar aggregate classification (germline): Uncertain significance (1 of 4 stars; one submission).

Conditions:
Neuronopathy, distal hereditary motor, type 2C. Also called: NEUROPATHY, DISTAL HEREDITARY MOTOR, AUTOSOMAL DOMINANT 4; NEURONOPATHY, DISTAL HEREDITARY MOTOR, HARDING TYPE IIC; NEUROPATHY, DISTAL HEREDITARY MOTOR, HARDING TYPE IIC; HMN IIC. Identifiers: Orphanet 139525, MedGen C3150619, MONDO:0013243, OMIM 613376.

Submission:

Labcorp Genetics (formerly Invitae), Labcorp
Classification: Uncertain significance for Neuronopathy, distal hereditary motor, type 2C. Last evaluated: 2025-06-11. Review status: criteria provided, single submitter. Criteria: Invitae Variant Classification Sherloc (09022015). Collection method: clinical testing. Allele origin: germline.
Comment: This sequence change affects codon 57 of the HSPB3 mRNA. It is a 'silent' change, meaning that it does not change the encoded amino acid sequence of the HSPB3 protein. This variant is present in population databases (rs201894611, gnomAD 0.006%). This variant has not been reported in the literature in individuals affected with HSPB3-related conditions. In summary, the available evidence is currently insufficient to determine the role of this variant in disease. Therefore, it has been classified as a Variant of Uncertain Significance.